The following is an entry in ClinVar:

ClinVar aggregate classification (germline): Benign. Review status: criteria provided, multiple submitters, no conflicts (2 of 4 stars). 7 submissions from 7 submitters: Benign (5). 2 of the submissions do not count toward it. Last evaluated 2026-02-04.

Allele frequency attached by ClinVar (database versions not stated): gnomAD 0.26033 and 0.25809; gnomAD exomes 0.30026 and 0.32668; 1000 Genomes Project 30x 0.21752; TOPMed 0.24696; 1000 Genomes Project 0.22304; ESP Exome Variant Server 0.25273; ExAC 0.29535.
gnomAD v4.1: 515,206 of 1,610,022 alleles (32%); highest among the groups gnomAD compares: Non-Finnish European, 34%; 85,843 homozygotes.

Submissions (7):

Labcorp Genetics (formerly Invitae), Labcorp
Classification: Benign. Last evaluated: 2026-02-04. Review status: criteria provided, single submitter. Criteria: Invitae Variant Classification Sherloc (09022015). Collection method: clinical testing. Allele origin: germline.

Unidad de Genómica Garrahan, Hospital de Pediatría Garrahan
Classification: Benign. Last evaluated: 2024-07-15. Review status: criteria provided, single submitter. Criteria: ACMG Guidelines, 2015. Collection method: clinical testing. Allele origin: germline. Affected: no. Observed: 37 variant alleles.
Comment: This variant is classified as Benign based on local population frequency. This variant was detected in 40% of patients studied in a panel designed for Epileptic and Developmental Encephalopathy and Progressive Myoclonus Epilepsy. Number of patients: 37. Only high quality variants are reported.

GeneDx
Classification: Benign. Last evaluated: 2020-06-25. Review status: criteria provided, single submitter. Criteria: GeneDx Variant Classification Process June 2021. Collection method: clinical testing. Allele origin: germline. Affected: yes.

Mayo Clinic Laboratories, Mayo Clinic
Classification: Benign. Last evaluated: 2017-07-21. Review status: criteria provided, single submitter. Criteria: ACMG Guidelines, 2015. Collection method: clinical testing. Allele origin: germline. Observed: 388 variant alleles.

Breakthrough Genomics
Classification: Benign. Review status: criteria provided, single submitter. Criteria: ACMG Guidelines, 2015. Collection method: not provided. Allele origin: germline. Inheritance: Autosomal dominant inheritance. Affected: yes.

Clinical Genetics DNA and cytogenetics Diagnostics Lab, Erasmus MC, Erasmus Medical Center
Classification: Benign. Review status: no assertion criteria provided. Collection method: clinical testing. Allele origin: germline. Affected: yes. Study: VKGL Data-share Consensus. Not counted in ClinVar's aggregate classification.

Genome Diagnostics Laboratory, Amsterdam University Medical Center
Classification: Benign. Review status: no assertion criteria provided. Collection method: clinical testing. Allele origin: germline. Affected: yes. Study: VKGL Data-share Consensus. Not counted in ClinVar's aggregate classification.

NM_005235.3(ERBB4):c.3195A>G (p.Val1065=)

Gene: ERBB4 (erb-b2 receptor tyrosine kinase 4; minus strand). Cytogenetic location: 2q34.
Variant type: single nucleotide variant.
Coding change: c.3195A>G on transcript NM_005235.3 (MANE Select); coding-DNA position 3195, A replaced by G.
Protein change: p.Val1065=; no amino-acid change (valine 1065 retained).
Molecular consequence: synonymous variant.
Genome position (GRCh38, 1-based): chr2:211,387,139, T>C on the plus strand (A>G on the coding strand, the complement: ERBB4 is on the minus strand). VCF-style: chr2-211387139-T-C. GRCh37 (hg19) VCF-style: chr2-212251864-T-C.
Other names: p.Val1065=; c.3147A>G, p.Val1049= (NM_001042599.2).
Identifiers: ClinVar variation 1210024 (VCV001210024.15), dbSNP rs3748962, ClinGen allele CA2087490.